The following is an entry in ClinVar:

ClinVar aggregate classification (germline): Benign. Review status: criteria provided, multiple submitters, no conflicts (2 of 4 stars). 2 submissions from 2 submitters: Benign (2). Last evaluated 2019-10-17.

Conditions:
Leigh syndrome (NULS). Also called: Leigh's necrotizing encephalopathy; Leigh's disease; Leigh Syndrome (mtDNA deletion); Leigh Disease; Subacute necrotizing encephalopathy; Necrotizing encephalopathy infantile subacute of Leigh. Identifiers: Orphanet 506, MedGen C2931891, MONDO:0009723, OMIM 256000.

Submissions (2):

Wong Mito Lab, Molecular and Human Genetics, Baylor College of Medicine
Classification: Benign for Leigh syndrome. Last evaluated: 2019-10-17. Review status: criteria provided, single submitter. Criteria: Modified ACMG Guidelines (Unpublished). Collection method: clinical testing. Allele origin: germline.
Comment: The NC_012920.1:m.3398T>C (YP_003024026.1:p.Met31Thr) variant in MTND1 gene is interpretated to be a Benign variant based on the modified ACMG guidelines (unpublished). This variant meets the following evidence codes: BS1, BS2, BP4

Breakthrough Genomics
Classification: Benign. Review status: criteria provided, single submitter. Criteria: ACMG Guidelines, 2015. Collection method: not provided. Allele origin: germline. Inheritance: Unknown mechanism. Affected: yes.

NC_012920.1(MT-ND1):m.3398T>C

Gene: MT-ND1 (mitochondrially encoded NADH dehydrogenase 1; plus strand).
Variant type: single nucleotide variant.
Genome position: chrM-3398-T-C.
Identifiers: ClinVar variation 692351 (VCV000692351.2), dbSNP rs201212638, ClinGen allele CA337096526.